The following is an entry in ClinVar:

ClinVar aggregate classification (germline): Uncertain significance. Review status: criteria provided, multiple submitters, no conflicts (2 of 4 stars). 3 submissions from 3 submitters: Uncertain significance (3). Last evaluated 2026-06-01.

Conditions:
Inborn genetic diseases. Identifiers: MedGen C0950123, MeSH D030342.
Neuropathy, hereditary sensory, type 1F. Also called: HSN IF; Hereditary sensory neuropathy type IF. Identifiers: Orphanet 36386, MedGen C3810194, MONDO:0014286, OMIM 615632.
ATL3-related disorder. Also called: ATL3-related condition.

Allele frequency attached by ClinVar (database versions not stated): gnomAD exomes below 0.00001; gnomAD 0.00001; TOPMed 0.00001.
gnomAD v4.1: 3 of 1,613,846 alleles (0.00019%); highest among the groups gnomAD compares: Non-Finnish European, 0.00025%; no homozygotes.

Submissions (3):

PreventionGenetics, part of Exact Sciences
Classification: Uncertain significance for ATL3-related condition. Last evaluated: 2026-06-01. Review status: criteria provided, single submitter. Criteria: ACMG Guidelines, 2015. Collection method: clinical testing. Allele origin: germline.
Comment: The ATL3 c.968A>C variant is predicted to result in the amino acid substitution p.Glu323Ala. To our knowledge, this variant has not been reported in the literature or in a large population database (gnomAD), indicating this variant is rare. At this time, the clinical significance of this variant is uncertain due to the absence of conclusive functional and genetic evidence.

Ambry Genetics
Classification: Uncertain significance for Inborn genetic diseases. Last evaluated: 2025-11-24. Review status: criteria provided, single submitter. Criteria: Ambry Variant Classification Scheme 2023. Collection method: clinical testing. Allele origin: germline.

Labcorp Genetics (formerly Invitae), Labcorp
Classification: Uncertain significance for Neuropathy, hereditary sensory, type 1F. Last evaluated: 2023-08-16. Review status: criteria provided, single submitter. Criteria: Invitae Variant Classification Sherloc (09022015). Collection method: clinical testing. Allele origin: germline.
Comment: In summary, the available evidence is currently insufficient to determine the role of this variant in disease. Therefore, it has been classified as a Variant of Uncertain Significance. This sequence change replaces glutamic acid, which is acidic and polar, with alanine, which is neutral and non-polar, at codon 323 of the ATL3 protein (p.Glu323Ala). This variant is not present in population databases (gnomAD no frequency). This variant has not been reported in the literature in individuals affected with ATL3-related conditions. ClinVar contains an entry for this variant (Variation ID: 951491). Advanced modeling of protein sequence and biophysical properties (such as structural, functional, and spatial information, amino acid conservation, physicochemical variation, residue mobility, and thermodynamic stability) performed at Invitae indicates that this missense variant is not expected to disrupt ATL3 protein function.

NM_015459.5(ATL3):c.968A>C (p.Glu323Ala)

Genes: LNCROPM (lncRNA regulator of PLAAT3 mediated phospholipid metabolism; plus strand), ATL3 (atlastin GTPase 3; minus strand). Cytogenetic location: 11q13.1.
Variant type: single nucleotide variant.
Coding change: c.968A>C on transcript NM_015459.5 (MANE Select); coding-DNA position 968, A replaced by C.
Protein change: p.Glu323Ala; replaces glutamic acid 323 with alanine.
Molecular consequence: missense variant.
Genome position (GRCh38, 1-based): chr11:63,636,217, T>G on the plus strand (A>C on the coding strand, the complement: ATL3 is on the minus strand). VCF-style: chr11-63636217-T-G. GRCh37 (hg19) VCF-style: chr11-63403689-T-G.
Other names: c.968A>C (NM_015459.3); c.914A>C, p.Glu305Ala (NM_001290048.2); short protein forms E323A, E305A.
Identifiers: ClinVar variation 951491 (VCV000951491.11), dbSNP rs1231801391, ClinGen allele CA381026476.